The following is an entry in ClinVar:

NM_014043.4(CHMP2B):c.535del (p.Ala179fs)

Gene: CHMP2B (charged multivesicular body protein 2B; plus strand). Cytogenetic location: 3p11.2.
Variant type: Deletion.
Coding change: c.535del on transcript NM_014043.4 (MANE Select); coding-DNA position 535, one base deleted (G; older notation c.535delG).
Protein change: p.Ala179fs; shifts the reading frame from alanine 179.
Molecular consequence: frameshift variant.
Genome position (GRCh38, 1-based): chr3:87,253,715, G deleted; the last of 2 consecutive G bases (chr3:87,253,714-87,253,715); deleting either gives the same sequence. VCF-style (leftmost placement, unchanged base first): chr3-87253713-TG-T. GRCh37 (hg19) VCF-style: chr3-87302863-TG-T.
Other names: c.412del, p.Ala138fs (NM_001244644.2); c.631delG, p.Ala211Profs (NM_001410777.1); short protein forms A179fs, A138fs.
Identifiers: ClinVar variation 2041165 (VCV002041165.4), dbSNP rs2471774435, ClinGen allele CA913103244.

ClinVar aggregate classification (germline): Uncertain significance (1 of 4 stars; one submission).

Conditions:
Frontotemporal dementia and/or amyotrophic lateral sclerosis 7 (FTDALS7). Also called: AMYOTROPHIC LATERAL SCLEROSIS, CHMP2B-RELATED; Amyotrophic lateral sclerosis 17; CHMP2B-related frontotemporal dementia; CHMP2B-Related Frontotemporal Dementia-Amyotrophic Lateral Sclerosis. Identifiers: Orphanet 275864, Orphanet 282, Orphanet 803, MedGen C1833296, MONDO:0010936, OMIM 600795.

Submission:

Labcorp Genetics (formerly Invitae), Labcorp
Classification: Uncertain significance for Frontotemporal dementia and/or amyotrophic lateral sclerosis 7. Last evaluated: 2022-07-15. Review status: criteria provided, single submitter. Criteria: Invitae Variant Classification Sherloc (09022015). Collection method: clinical testing. Allele origin: germline.
Comment: This sequence change creates a premature translational stop signal (p.Ala179Profs*32) in the CHMP2B gene. While this is not anticipated to result in nonsense mediated decay, it is expected to disrupt the last 35 amino acid(s) of the CHMP2B protein. This variant is not present in population databases (gnomAD no frequency). This variant has not been reported in the literature in individuals affected with CHMP2B-related conditions. Experimental studies and prediction algorithms are not available or were not evaluated, and the functional significance of this variant is currently unknown. In summary, the available evidence is currently insufficient to determine the role of this variant in disease. Therefore, it has been classified as a Variant of Uncertain Significance.